The following is an entry in ClinVar:

NM_004320.6(ATP2A1):c.2153T>C (p.Ile718Thr)

Gene: ATP2A1 (ATPase sarcoplasmic/endoplasmic reticulum Ca2+ transporting 1; plus strand). Cytogenetic location: 16p11.2.
Variant type: single nucleotide variant.
Coding change: c.2153T>C on transcript NM_004320.6 (MANE Select); coding-DNA position 2153, T replaced by C.
Protein change: p.Ile718Thr; replaces isoleucine 718 with threonine.
Molecular consequence: missense variant.
Genome position (GRCh38, 1-based): chr16:28,901,915, T>C. VCF-style: chr16-28901915-T-C. GRCh37 (hg19) VCF-style: chr16-28913236-T-C.
Other names: c.1778T>C, p.Ile593Thr (NM_001286075.2); c.2153T>C, p.Ile718Thr (NM_173201.5); short protein forms I718T, I593T.
Identifiers: ClinVar variation 1517174 (VCV001517174.8), dbSNP rs750943917, ClinGen allele CA7987192.

ClinVar aggregate classification (germline): Uncertain significance (1 of 4 stars; one submission).

Conditions:
Brody myopathy. Also called: BRODY DISEASE. Identifiers: Orphanet 53347, MedGen C1832918, MONDO:0010977, OMIM 601003.

Allele frequency attached by ClinVar (database versions not stated): gnomAD 0.00001; gnomAD exomes 0.00001 and 0.00002; ExAC 0.00002.
gnomAD v4.1: 7 of 1,614,132 alleles (0.00043%); highest among the groups gnomAD compares: South Asian, 0.0066%; 1 homozygote.

Submission:

Labcorp Genetics (formerly Invitae), Labcorp
Classification: Uncertain significance for Brody myopathy. Last evaluated: 2022-11-28. Review status: criteria provided, single submitter. Criteria: Invitae Variant Classification Sherloc (09022015). Collection method: clinical testing. Allele origin: germline.
Comment: In summary, the available evidence is currently insufficient to determine the role of this variant in disease. Therefore, it has been classified as a Variant of Uncertain Significance. Algorithms developed to predict the effect of missense changes on protein structure and function are either unavailable or do not agree on the potential impact of this missense change (SIFT: "Deleterious"; PolyPhen-2: "Probably Damaging"; Align-GVGD: "Class C0"). ClinVar contains an entry for this variant (Variation ID: 1517174). This variant has not been reported in the literature in individuals affected with ATP2A1-related conditions. This variant is present in population databases (rs750943917, gnomAD 0.01%), including at least one homozygous and/or hemizygous individual. This sequence change replaces isoleucine, which is neutral and non-polar, with threonine, which is neutral and polar, at codon 718 of the ATP2A1 protein (p.Ile718Thr).